The following is an entry in ClinVar:

ClinVar aggregate classification (germline): Uncertain significance. Review status: criteria provided, multiple submitters, no conflicts (2 of 4 stars). 2 submissions from 2 submitters: Uncertain significance (2). Last evaluated 2024-01-01.

Conditions:
Cardiovascular phenotype. Identifiers: MedGen CN230736.

Allele frequency attached by ClinVar (database versions not stated): TOPMed 0.00007; ExAC 0.00009; gnomAD 0.00009.

Submissions (2):

CeGaT Center for Human Genetics Tuebingen
Classification: Uncertain significance. Last evaluated: 2024-01-01. Review status: criteria provided, single submitter. Criteria: CeGaT Center For Human Genetics Tuebingen Variant Classification Criteria Version 2. Collection method: clinical testing. Allele origin: germline. Affected: yes. Observed: 1 variant allele.

Ambry Genetics
Classification: Uncertain significance for Cardiovascular phenotype. Last evaluated: 2021-07-01. Review status: criteria provided, single submitter. Criteria: Ambry Variant Classification Scheme 2023. Collection method: clinical testing. Allele origin: germline.
Comment: The p.E477K variant (also known as c.1429G>A), located in coding exon 8 of the EPHB4 gene, results from a G to A substitution at nucleotide position 1429. The glutamic acid at codon 477 is replaced by lysine, an amino acid with similar properties. This amino acid position is conserved. In addition, the in silico prediction for this alteration is inconclusive. Since supporting evidence is limited at this time, the clinical significance of this alteration remains unclear.

NM_004444.5(EPHB4):c.1429G>A (p.Glu477Lys)

Gene: EPHB4 (EPH receptor B4; minus strand). Cytogenetic location: 7q22.1.
Variant type: single nucleotide variant.
Coding change: c.1429G>A on transcript NM_004444.5 (MANE Select); coding-DNA position 1429, G replaced by A.
Protein change: p.Glu477Lys; replaces glutamic acid 477 with lysine.
Molecular consequence: missense variant.
Genome position (GRCh38, 1-based): chr7:100,817,351, C>T on the plus strand (G>A on the coding strand, the complement: EPHB4 is on the minus strand). VCF-style: chr7-100817351-C-T. GRCh37 (hg19) VCF-style: chr7-100414973-C-T.
Other names: short protein forms E477K.
Identifiers: ClinVar variation 1772450 (VCV001772450.24), dbSNP rs534771025, ClinGen allele CA4392979.
Genomic context (GRCh38, chr7:100,817,351, plus strand): 5'-GCCCCCGCAGCTCTGCCCGGTTTTCTGACGTCTTCAGGAACCGCACGCTGCTGGGACCCT[C>T]GGCGCCCTGTCCGGGAGAGGTAGTGGGGTGGCCGTCACCCGGGAACCCAAGTTCCTGTTG-3'
Protein context (NP_004435.3, residues 467-487): YEVKYHEKGA[Glu477Lys]GPSSVRFLKT